The following is an entry in ClinVar:

ClinVar aggregate classification (germline): Pathogenic (1 of 4 stars; one submission).

Conditions:
DYRK1A-related intellectual disability syndrome (MRD7). Also called: DYRK1A Syndrome; Intellectual developmental disorder, autosomal dominant 7. Identifiers: Orphanet 464306, MedGen C5568143, MONDO:0013578, OMIM 614104.

Submission:

Labcorp Genetics (formerly Invitae), Labcorp
Classification: Pathogenic for DYRK1A-related intellectual disability syndrome. Last evaluated: 2023-12-21. Review status: criteria provided, single submitter. Criteria: Invitae Variant Classification Sherloc (09022015). Collection method: clinical testing. Allele origin: unknown.
Comment: This variant results in the deletion of exons 6-7 and part of exon 8 (c.664+618_1222del) of the DYRK1A gene. It is expected to disrupt RNA splicing. Variants that disrupt the donor or acceptor splice site typically lead to a loss of protein function (PMID: 16199547), and loss-of-function variants in DYRK1A are known to be pathogenic (PMID: 25944381). This variant has not been reported in the literature in individuals affected with DYRK1A-related conditions. This variant disrupts a region of the DYRK1A protein in which other variant(s) (p.His285) have been determined to be pathogenic (Invitae). This suggests that this is a clinically significant region of the protein, and that variants that disrupt it are likely to be disease-causing. For these reasons, this variant has been classified as Pathogenic.

Literature cited by the submitters: PubMed 16199547; PubMed 25944381.

NC_000021.8:g.(?_38859534)_(38868543_?)del

Gene: DYRK1A (dual specificity tyrosine phosphorylation regulated kinase 1A; plus strand). Cytogenetic location: 21q22.13.
Variant type: Deletion.
Identifiers: ClinVar variation 3248162 (VCV003248162.1).